The following is an entry in ClinVar:

NM_001379500.1(COL18A1):c.107-12591G>A

Gene: COL18A1 (collagen type XVIII alpha 1 chain; plus strand). Cytogenetic location: 21q22.3.
Variant type: single nucleotide variant.
Coding change: c.107-12591G>A on transcript NM_001379500.1 (MANE Select); 12591 bases into the intron before coding-DNA position 107, G replaced by A.
Molecular consequence: intron variant. On other transcripts: missense variant (2).
Genome position (GRCh38, 1-based): chr21:45,455,651, G>A. VCF-style: chr21-45455651-G-A. GRCh37 (hg19) VCF-style: chr21-46875565-G-A.
Other names: c.121G>A, p.Ala41Thr (NM_030582.4, NM_130444.3); short protein forms A41T.
Identifiers: ClinVar variation 4983878 (VCV004983878.1).

ClinVar aggregate classification (germline): Uncertain significance (1 of 4 stars; one submission).

Conditions:
COL18A1-related disorder. Also called: COL18A1-related condition; COL18A1-related disorders.

gnomAD v4.1: 252 of 1,613,770 alleles (0.016%); highest among the groups gnomAD compares: Admixed American, 0.02%; no homozygotes.

Submission:

PreventionGenetics, part of Exact Sciences
Classification: Uncertain significance for COL18A1-related condition. Last evaluated: 2025-05-16. Review status: criteria provided, single submitter. Criteria: ACMG Guidelines, 2015. Collection method: clinical testing. Allele origin: germline.
Comment: The COL18A1 c.121G>A variant is predicted to result in the amino acid substitution p.Ala41Thr. To our knowledge, this variant has not been reported in the literature. This variant is reported in 0.014% of alleles in individuals of Latino descent in gnomAD. At this time, the clinical significance of this variant is uncertain due to the absence of conclusive functional and genetic evidence.